The following is an entry in ClinVar:

NM_002335.4(LRP5):c.4393G>C (p.Gly1465Arg)

Gene: LRP5 (LDL receptor related protein 5; plus strand). Cytogenetic location: 11q13.2.
Variant type: single nucleotide variant.
Coding change: c.4393G>C on transcript NM_002335.4 (MANE Select); coding-DNA position 4393, G replaced by C.
Protein change: p.Gly1465Arg; replaces glycine 1465 with arginine.
Molecular consequence: missense variant.
Genome position (GRCh38, 1-based): chr11:68,439,821, G>C. VCF-style: chr11-68439821-G-C. GRCh37 (hg19) VCF-style: chr11-68207289-G-C.
Other names: c.2650G>C, p.Gly884Arg (NM_001291902.2); short protein forms G1465R, G884R.
Identifiers: ClinVar variation 2800060 (VCV002800060.4), dbSNP rs771501940, ClinGen allele CA6150345.

ClinVar aggregate classification (germline): Uncertain significance. Review status: criteria provided, multiple submitters, no conflicts (2 of 4 stars). 2 submissions from 2 submitters: Uncertain significance (2). Last evaluated 2023-11-28.

Allele frequency attached by ClinVar (database versions not stated): ExAC 0.00002.
gnomAD v4.1: 2 of 1,611,704 alleles (0.00012%); highest among the groups gnomAD compares: Non-Finnish European, 0.00017%; no homozygotes.

Submissions (2):

Labcorp Genetics (formerly Invitae), Labcorp
Classification: Uncertain significance. Last evaluated: 2023-11-28. Review status: criteria provided, single submitter. Criteria: Invitae Variant Classification Sherloc (09022015). Collection method: clinical testing. Allele origin: germline.
Comment: This sequence change replaces glycine, which is neutral and non-polar, with arginine, which is basic and polar, at codon 1465 of the LRP5 protein (p.Gly1465Arg). This variant is present in population databases (rs771501940, gnomAD 0.002%). This variant has not been reported in the literature in individuals affected with LRP5-related conditions. Advanced modeling of protein sequence and biophysical properties (such as structural, functional, and spatial information, amino acid conservation, physicochemical variation, residue mobility, and thermodynamic stability) performed at Invitae indicates that this missense variant is not expected to disrupt LRP5 protein function with a negative predictive value of 95%. In summary, the available evidence is currently insufficient to determine the role of this variant in disease. Therefore, it has been classified as a Variant of Uncertain Significance.

Breakthrough Genomics
Classification: Uncertain significance. Review status: criteria provided, single submitter. Criteria: ACMG Guidelines, 2015. Collection method: not provided. Allele origin: germline. Inheritance: Autosomal recessive inheritance. Affected: yes.